The following is an entry in ClinVar:

ClinVar aggregate classification (germline): Pathogenic (1 of 4 stars; one submission).

Submission:

Labcorp Genetics (formerly Invitae), Labcorp
Classification: Pathogenic. Last evaluated: 2022-02-20. Review status: criteria provided, single submitter. Criteria: Invitae Variant Classification Sherloc (09022015). Collection method: clinical testing. Allele origin: germline.
Comment: For these reasons, this variant has been classified as Pathogenic. This variant has not been reported in the literature in individuals affected with MSH3-related conditions. This variant is not present in population databases (gnomAD no frequency). This sequence change creates a premature translational stop signal (p.Leu515Phefs*21) in the MSH3 gene. It is expected to result in an absent or disrupted protein product. Loss-of-function variants in MSH3 are known to be pathogenic (PMID: 27476653).

Literature cited by the submitters: PubMed 27476653.

NM_002439.5(MSH3):c.1545_1546delinsC (p.Leu515fs)

Gene: MSH3 (mutS homolog 3; plus strand). Cytogenetic location: 5q14.1.
Variant type: Indel.
Coding change: c.1545_1546delinsC on transcript NM_002439.5 (MANE Select); coding-DNA positions 1545 to 1546, GG replaced by C.
Protein change: p.Leu515fs; shifts the reading frame from leucine 515.
Molecular consequence: frameshift variant.
Genome position (GRCh38, 1-based): chr5:80,728,942-80,728,943, GG replaced by C. VCF-style: chr5-80728942-GG-C. GRCh37 (hg19) VCF-style: chr5-80024761-GG-C.
Other names: short protein forms L515fs.
Identifiers: ClinVar variation 639097 (VCV000639097.5), dbSNP rs1580589429, ClinGen allele CA915943382.